The following is an entry in ClinVar:

ClinVar aggregate classification (germline): Likely benign. Review status: criteria provided, multiple submitters, no conflicts (2 of 4 stars). 3 submissions from 3 submitters: Likely benign (2). 1 of the submissions does not count toward it. Last evaluated 2025-02-25.

Conditions:
FGFR3-related disorder. Also called: FGFR3-related disorders.

Allele frequency attached by ClinVar (database versions not stated): gnomAD exomes 0.00003 and 0.00013; gnomAD 0.00004 and 0.00007; TOPMed 0.00007; ExAC 0.00010; 1000 Genomes Project 0.00040; 1000 Genomes Project 30x 0.00078.
gnomAD v4.1: 55 of 1,613,972 alleles (0.0034%); highest among the groups gnomAD compares: East Asian, 0.078%; no homozygotes.

Submissions (3):

Labcorp Genetics (formerly Invitae), Labcorp
Classification: Likely benign. Last evaluated: 2025-02-25. Review status: criteria provided, single submitter. Criteria: Invitae Variant Classification Sherloc (09022015). Collection method: clinical testing. Allele origin: germline.

Blueprint Genetics
Classification: Likely benign. Last evaluated: 2024-02-28. Review status: criteria provided, single submitter. Criteria: ACMG Guidelines, 2015. Collection method: clinical testing. Allele origin: germline.

PreventionGenetics, part of Exact Sciences
Classification: Likely benign for FGFR3-related condition. Last evaluated: 2019-07-23. Review status: no assertion criteria provided. Collection method: clinical testing. Allele origin: germline. Not counted in ClinVar's aggregate classification.
Comment: This variant is classified as likely benign based on ACMG/AMP sequence variant interpretation guidelines (Richards et al. 2015 PMID: 25741868, with internal and published modifications).

NM_000142.5(FGFR3):c.963A>G (p.Leu321=)

Gene: FGFR3 (fibroblast growth factor receptor 3; plus strand). Cytogenetic location: 4p16.3.
Variant type: single nucleotide variant.
Coding change: c.963A>G on transcript NM_000142.5 (MANE Select); coding-DNA position 963, A replaced by G.
Protein change: p.Leu321=; no amino-acid change (leucine 321 retained).
Molecular consequence: synonymous variant. On other transcripts: non-coding transcript variant (1), intron variant (2).
Genome position (GRCh38, 1-based): chr4:1,803,724, A>G. VCF-style: chr4-1803724-A-G. GRCh37 (hg19) VCF-style: chr4-1805451-A-G.
Other names: c.963A>G, p.Leu321= (NM_001354809.2, NM_001354810.2); c.1082-606A>G (NM_001163213.2); c.931-1100A>G (NM_022965.4).
Identifiers: ClinVar variation 708186 (VCV000708186.11), dbSNP rs201221388, ClinGen allele CA2810146.
Genomic context (GRCh38, chr4:1,803,724, plus strand): 5'-CGCCTATCGCTCTGCTCTCTCTTTGTAGACGGCGGGCGCTAACACCACCGACAAGGAGCT[A>G]GAGGTTCTCTCCTTGCACAACGTCACCTTTGAGGACGCCGGGGAGTACACCTGCCTGGCG-3'
Protein context (NP_000133.1, residues 311-331): TAGANTTDKE[Leu321=]EVLSLHNVTF